The following is an entry in ClinVar:

ClinVar aggregate classification (germline): Conflicting classifications of pathogenicity. Review status: criteria provided, conflicting classifications (1 of 4 stars). 4 submissions from 4 submitters: Likely pathogenic (2); Uncertain significance (1). 1 of the submissions does not count toward it. Last evaluated 2025-08-05.

Conditions:
Walker-Warburg congenital muscular dystrophy. Also called: Muscular dystrophy-dystroglycanopathy, type A; Walker-Warburg syndrome. Identifiers: Orphanet 899, MedGen C0265221, MONDO:0000171.
Muscular dystrophy-dystroglycanopathy (congenital with brain and eye anomalies), type A5. Also called: WALKER-WARBURG SYNDROME OR MUSCLE-EYE-BRAIN DISEASE, FKRP-RELATED; MUSCULAR DYSTROPHY-DYSTROGLYCANOPATHY (CONGENITAL WITH BRAIN AND EYE ANOMALIES), TYPE A, 5. Identifiers: Orphanet 588, Orphanet 899, MedGen C3150413, MONDO:0013157, OMIM 613153.
Autosomal recessive limb-girdle muscular dystrophy type 2I. Also called: MUSCULAR DYSTROPHY-DYSTROGLYCANOPATHY, LIMB-GIRDLE, FRKP-RELATED; MUSCULAR DYSTROPHY, LIMB-GIRDLE, TYPE 2I; MUSCULAR DYSTROPHY-DYSTROGLYCANOPATHY (LIMB-GIRDLE), TYPE C, 5. Identifiers: Orphanet 34515, MedGen C1846672, MONDO:0011787, OMIM 607155.

Allele frequency attached by ClinVar (database versions not stated): gnomAD exomes 0.00001; TOPMed 0.00001.

Submissions (4):

Labcorp Genetics (formerly Invitae), Labcorp
Classification: Likely pathogenic for Walker-Warburg congenital muscular dystrophy. Last evaluated: 2025-08-05. Review status: criteria provided, single submitter. Criteria: Invitae Variant Classification Sherloc (09022015). Collection method: clinical testing. Allele origin: germline.
Comment: This sequence change replaces proline, which is neutral and non-polar, with serine, which is neutral and polar, at codon 316 of the FKRP protein (p.Pro316Ser). The frequency data for this variant in the population databases is considered unreliable, as metrics indicate poor data quality at this position in the gnomAD database. This missense change has been observed in individuals with limb-girdle muscular dystrophy (PMID: 12666124, 34509255). ClinVar contains an entry for this variant (Variation ID: 197346). Invitae Evidence Modeling of protein sequence and biophysical properties (such as structural, functional, and spatial information, amino acid conservation, physicochemical variation, residue mobility, and thermodynamic stability) indicates that this missense variant is expected to disrupt FKRP protein function with a positive predictive value of 95%. This variant disrupts the p.Pro316 amino acid residue in FKRP. Other variant(s) that disrupt this residue have been determined to be pathogenic (PMID: 11592034, 11741828, 16368217, 25135358). This suggests that this residue is clinically significant, and that variants that disrupt this residue are likely to be disease-causing. In summary, the currently available evidence indicates that the variant is pathogenic, but additional data are needed to prove that conclusively. Therefore, this variant has been classified as Likely Pathogenic.

Baylor Genetics
Classification: Likely pathogenic for Muscular dystrophy-dystroglycanopathy (congenital with brain and eye anomalies), type A5. Last evaluated: 2023-12-17. Review status: criteria provided, single submitter. Criteria: ACMG Guidelines, 2015. Collection method: clinical testing. Allele origin: unknown.

Eurofins Ntd Llc (ga)
Classification: Uncertain significance. Last evaluated: 2015-04-20. Review status: criteria provided, single submitter. Criteria: EGL Classification Definitions 2015. Collection method: clinical testing. Allele origin: germline. Observed: 2 variant alleles, 2 heterozygotes.

Counsyl
Classification: Uncertain significance for Autosomal recessive limb-girdle muscular dystrophy type 2I. Last evaluated: 2017-11-21. Review status: no assertion criteria provided. Collection method: clinical testing. Allele origin: unknown. Not counted in ClinVar's aggregate classification.

Literature cited by the submitters: PubMed 12666124 (cited by 3 submitters); PubMed 34509255 (cited by Labcorp Genetics (formerly Invitae), Labcorp); PubMed 11592034 (cited by Labcorp Genetics (formerly Invitae), Labcorp); PubMed 11741828 (cited by Labcorp Genetics (formerly Invitae), Labcorp); PubMed 16368217 (cited by Labcorp Genetics (formerly Invitae), Labcorp); PubMed 25135358 (cited by Labcorp Genetics (formerly Invitae), Labcorp).

NM_024301.5(FKRP):c.946C>T (p.Pro316Ser)

Gene: FKRP (fukutin related protein; plus strand). Cytogenetic location: 19q13.32.
Variant type: single nucleotide variant.
Coding change: c.946C>T on transcript NM_024301.5 (MANE Select); coding-DNA position 946, C replaced by T.
Protein change: p.Pro316Ser; replaces proline 316 with serine.
Molecular consequence: missense variant.
Genome position (GRCh38, 1-based): chr19:46,756,396, C>T. VCF-style: chr19-46756396-C-T. GRCh37 (hg19) VCF-style: chr19-47259653-C-T.
Other names: c.946C>T, p.Pro316Ser (NM_001039885.3); short protein forms P316S.
Identifiers: ClinVar variation 197346 (VCV000197346.12), dbSNP rs28937901, ClinGen allele CA245434.
Genomic context (GRCh38, chr19:46,756,396, plus strand): 5'-TGCTTCGGAACCGTGGTGGGCGACACGCCCGCCTACCTCTACGAGGAGCGCTGGACGCCC[C>T]CCTGCTGCCTGCGCGCGCTGCGCGAGACCGCCCGCTATGTGGTGGGCGTGCTGGAGGCTG-3'
Protein context (NP_077277.1, residues 306-326): AYLYEERWTP[Pro316Ser]CCLRALRETA